The following is an entry in ClinVar:

ClinVar aggregate classification (germline): Uncertain significance (1 of 4 stars; one submission).

gnomAD v4.1: 11 of 1,596,684 alleles (0.00069%); highest among the groups gnomAD compares: Admixed American, 0.0033%; no homozygotes.

Submission:

Labcorp Genetics (formerly Invitae), Labcorp
Classification: Uncertain significance. Last evaluated: 2024-04-12. Review status: criteria provided, single submitter. Criteria: Invitae Variant Classification Sherloc (09022015). Collection method: clinical testing. Allele origin: germline.
Comment: This sequence change replaces cysteine, which is neutral and slightly polar, with phenylalanine, which is neutral and non-polar, at codon 467 of the LIPC protein (p.Cys467Phe). This variant is present in population databases (no rsID available, gnomAD 0.0008%). This variant has not been reported in the literature in individuals affected with LIPC-related conditions. Advanced modeling of protein sequence and biophysical properties (such as structural, functional, and spatial information, amino acid conservation, physicochemical variation, residue mobility, and thermodynamic stability) performed at Invitae indicates that this missense variant is expected to disrupt LIPC protein function with a positive predictive value of 80%. Algorithms developed to predict the effect of sequence changes on RNA splicing suggest that this variant may create or strengthen a splice site. In summary, the available evidence is currently insufficient to determine the role of this variant in disease. Therefore, it has been classified as a Variant of Uncertain Significance.

NM_000236.3(LIPC):c.1400G>T (p.Cys467Phe)

Gene: LIPC (lipase C, hepatic type; plus strand). Cytogenetic location: 15q21.3.
Variant type: single nucleotide variant.
Coding change: c.1400G>T on transcript NM_000236.3 (MANE Select); coding-DNA position 1400, G replaced by T.
Protein change: p.Cys467Phe; replaces cysteine 467 with phenylalanine.
Molecular consequence: missense variant.
Genome position (GRCh38, 1-based): chr15:58,568,727, G>T. VCF-style: chr15-58568727-G-T. GRCh37 (hg19) VCF-style: chr15-58860926-G-T.
Other names: short protein forms C467F.
Identifiers: ClinVar variation 3694840 (VCV003694840.2).
Genomic context (GRCh38, chr15:58,568,727, plus strand): 5'-AGCTCCACCTAAAACTTAATGCTGTGTTTGCTTCCTGTTTTCTATTCAGAATGACATTTT[G>T]TTCAGAAAACACAGATGACCTACTACTTCGCCCAACCCAGGAAAAAATCTTCGTGAAATG-3'
Protein context (NP_000227.2, residues 457-477): AGETQQRMTF[Cys467Phe]SENTDDLLLR